The following is an entry in ClinVar:

NM_000057.4(BLM):c.802A>T (p.Asn268Tyr)

Gene: BLM (BLM RecQ like helicase; plus strand). Cytogenetic location: 15q26.1.
Variant type: single nucleotide variant.
Coding change: c.802A>T on transcript NM_000057.4 (MANE Select); coding-DNA position 802, A replaced by T.
Protein change: p.Asn268Tyr; replaces asparagine 268 with tyrosine.
Molecular consequence: missense variant. On other transcripts: 5 prime UTR variant (1).
Genome position (GRCh38, 1-based): chr15:90,751,789, A>T. VCF-style: chr15-90751789-A-T. GRCh37 (hg19) VCF-style: chr15-91295019-A-T.
Other names: c.802A>T, p.Asn268Tyr (NM_001287246.2, NM_001287247.2); c.-490A>T (NM_001287248.2); short protein forms N268Y.
Identifiers: ClinVar variation 4723328 (VCV004723328.1).

ClinVar aggregate classification (germline): Uncertain significance (1 of 4 stars; one submission).

Conditions:
Bloom syndrome (BLM). Also called: Bloom-Torre-Machacek syndrome. Identifiers: Orphanet 125, MedGen C0005859, MONDO:0008876, OMIM 210900.

Submission:

Labcorp Genetics (formerly Invitae), Labcorp
Classification: Uncertain significance for Bloom syndrome. Last evaluated: 2025-07-16. Review status: criteria provided, single submitter. Criteria: Invitae Variant Classification Sherloc (09022015). Collection method: clinical testing. Allele origin: germline.
Comment: This sequence change replaces asparagine, which is neutral and polar, with tyrosine, which is neutral and polar, at codon 268 of the BLM protein (p.Asn268Tyr). This variant is not present in population databases (gnomAD no frequency). This variant has not been reported in the literature in individuals affected with BLM-related conditions. An algorithm developed to predict the effect of missense changes on protein structure and function outputs the following: PolyPhen-2: "Benign". The tyrosine amino acid residue is found in multiple mammalian species, which suggests that this missense change does not adversely affect protein function. In summary, the available evidence is currently insufficient to determine the role of this variant in disease. Therefore, it has been classified as a Variant of Uncertain Significance.